The following is an entry in ClinVar:

ClinVar aggregate classification (germline): Likely benign. Review status: criteria provided, multiple submitters, no conflicts (2 of 4 stars). 3 submissions from 3 submitters: Likely benign (3). Last evaluated 2025-07-01.

Allele frequency attached by ClinVar (database versions not stated): gnomAD 0.00110 and 0.00146; gnomAD exomes 0.00119 and 0.00154; TOPMed 0.00131; ESP Exome Variant Server 0.00137; ExAC 0.00155.
gnomAD v4.1: 2,419 of 1,604,816 alleles (0.15%); highest among the groups gnomAD compares: Non-Finnish European, 0.19%; no homozygotes.

Submissions (3):

CeGaT Center for Human Genetics Tuebingen
Classification: Likely benign. Last evaluated: 2025-07-01. Review status: criteria provided, single submitter. Criteria: CeGaT Center For Human Genetics Tuebingen Variant Classification Criteria Version 2. Collection method: clinical testing. Allele origin: germline. Affected: yes. Observed: 1 variant allele.
Comment: MUC5B: BP4, BS1

Labcorp Genetics (formerly Invitae), Labcorp
Classification: Likely benign. Last evaluated: 2018-07-23. Review status: criteria provided, single submitter. Criteria: Invitae Variant Classification Sherloc (09022015). Collection method: clinical testing. Allele origin: germline.

Breakthrough Genomics
Classification: Likely benign. Review status: criteria provided, single submitter. Criteria: ACMG Guidelines, 2015. Collection method: not provided. Allele origin: germline. Inheritance: Autosomal dominant inheritance. Affected: yes.

NM_002458.3(MUC5B):c.2230G>A (p.Gly744Ser)

Gene: MUC5B (mucin 5B, oligomeric mucus/gel-forming; plus strand). Cytogenetic location: 11p15.5.
Variant type: single nucleotide variant.
Coding change: c.2230G>A on transcript NM_002458.3 (MANE Select); coding-DNA position 2230, G replaced by A.
Protein change: p.Gly744Ser; replaces glycine 744 with serine.
Molecular consequence: missense variant.
Genome position (GRCh38, 1-based): chr11:1,233,177, G>A. VCF-style: chr11-1233177-G-A. GRCh37 (hg19) VCF-style: chr11-1254407-G-A.
Other names: short protein forms G744S.
Identifiers: ClinVar variation 778969 (VCV000778969.12), dbSNP rs199581050, ClinGen allele CA5804613.
Genomic context (GRCh38, chr11:1,233,177, plus strand): 5'-GTTTCCTTCGTGCCTGTGGACGGCTGCACCTGCCCCGCGGGCACCTTCCTCAATGACGCG[G>A]GCGCCTGTGTGCCCGCCCAGGAGTGCCCCTGCTACGCTCACGGCACCGTGCTGGCTCCTG-3'
Protein context (NP_002449.2, residues 734-754): CPAGTFLNDA[Gly744Ser]ACVPAQECPC